The following is an entry in ClinVar:

NM_000595.4(LTA):c.192T>C (p.Ala64=)

Gene: LTA (lymphotoxin alpha; plus strand). Cytogenetic location: 6p21.33.
Variant type: single nucleotide variant.
Coding change: c.192T>C on transcript NM_000595.4 (MANE Select); coding-DNA position 192, T replaced by C.
Protein change: p.Ala64=; no amino-acid change (alanine 64 retained).
Molecular consequence: synonymous variant.
Genome position (GRCh38, 1-based): chr6:31,573,020, T>C. VCF-style: chr6-31573020-T-C. GRCh37 (hg19) VCF-style: chr6-31540797-T-C.
Other names: c.192T>C, p.Ala64= (NM_001159740.2).
Identifiers: ClinVar variation 3050752 (VCV003050752.2), dbSNP rs1196374898, ClinGen allele CA449792952.

ClinVar aggregate classification (germline): Likely benign (0 of 4 stars; one submission).

Conditions:
LTA-related disorder. Also called: LTA-related condition.

Allele frequency attached by ClinVar (database versions not stated): gnomAD exomes below 0.00001; gnomAD 0.00001; TOPMed 0.00001.
gnomAD v4.1: 4 of 1,612,234 alleles (0.00025%); highest among the groups gnomAD compares: Non-Finnish European, 0.00034%; no homozygotes.

Submission:

PreventionGenetics, part of Exact Sciences
Classification: Likely benign for LTA-related condition. Last evaluated: 2019-07-12. Review status: no assertion criteria provided. Collection method: clinical testing. Allele origin: germline.
Comment: This variant is classified as likely benign based on ACMG/AMP sequence variant interpretation guidelines (Richards et al. 2015 PMID: 25741868, with internal and published modifications).